The following is an entry in ClinVar:

NM_001845.6(COL4A1):c.781G>A (p.Gly261Ser)

Gene: COL4A1 (collagen type IV alpha 1 chain; minus strand). Cytogenetic location: 13q34.
Variant type: single nucleotide variant.
Coding change: c.781G>A on transcript NM_001845.6 (MANE Select); coding-DNA position 781, G replaced by A.
Protein change: p.Gly261Ser; replaces glycine 261 with serine.
Molecular consequence: missense variant.
Genome position (GRCh38, 1-based): chr13:110,206,891, C>T on the plus strand (G>A on the coding strand, the complement: COL4A1 is on the minus strand). VCF-style: chr13-110206891-C-T. GRCh37 (hg19) VCF-style: chr13-110859238-C-T.
Other names: c.781G>A, p.Gly261Ser (NM_001303110.2); short protein forms G261S.
Identifiers: ClinVar variation 2691695 (VCV002691695.2), dbSNP rs2501584950, ClinGen allele CA388725014.
Genomic context (GRCh38, chr13:110,206,891, plus strand): 5'-ACCTAAAAATGATAGGCAGAAACTGAGTACTGACCTGAAATCCAGGTTCACCTTTTTGGC[C>T]CTGAAAGAATTCGAGAGACAGATCAGCACTATCAAACAGCTGTATCATTTGTTATATGCT-3'
Protein context (NP_001836.3, residues 251-271): KGDFATKGEK[Gly261Ser]QKGEPGFQGM

ClinVar aggregate classification (germline): Likely pathogenic. Review status: criteria provided, multiple submitters, no conflicts (2 of 4 stars). 2 submissions from 2 submitters: Likely pathogenic (2). Last evaluated 2025-06-03.

Conditions:
Brain small vessel disease 1 with or without ocular anomalies (BSVD1). Also called: Brain small vessel disease with or without ocular anomalies; GOULD SYNDROME 1; BRAIN SMALL VESSEL DISEASE WITH HEMORRHAGE; PORENCEPHALY, TYPE 1, AUTOSOMAL DOMINANT. Identifiers: Orphanet 2940, Orphanet 36383, Orphanet 99810, MedGen C4755307, MONDO:0008289, OMIM 175780.

Submissions (2):

Labcorp Genetics (formerly Invitae), Labcorp
Classification: Likely pathogenic. Last evaluated: 2025-06-03. Review status: criteria provided, single submitter. Criteria: Invitae Variant Classification Sherloc (09022015). Collection method: clinical testing. Allele origin: germline.
Comment: This sequence change replaces glycine, which is neutral and non-polar, with serine, which is neutral and polar, at codon 261 of the COL4A1 protein (p.Gly261Ser). This variant is not present in population databases (gnomAD no frequency). This variant has not been reported in the literature in individuals affected with COL4A1-related conditions. ClinVar contains an entry for this variant (Variation ID: 2691695). Experimental studies and prediction algorithms are not available or were not evaluated, and the functional significance of this variant is currently unknown. This variant disrupts the triple helix domain of COL4A1. Glycine residues within the Gly-Xaa-Yaa repeats of the triple helix domain are required for the structure and stability of fibrillar collagens (PMID: 7695699, 8218237, 19344236). In COL4A1 variants affecting these glycine residues are significantly enriched in individuals with disease (PMID: 9016532, 17078022) compared to the general population (ExAC). In summary, the currently available evidence indicates that the variant is pathogenic, but additional data are needed to prove that conclusively. Therefore, this variant has been classified as Likely Pathogenic.

Women's Health and Genetics/Laboratory Corporation of America, LabCorp
Classification: Likely pathogenic for Brain small vessel disease 1 with or without ocular anomalies. Last evaluated: 2023-12-14. Review status: criteria provided, single submitter. Criteria: LabCorp Variant Classification Summary - May 2015. Collection method: clinical testing. Allele origin: germline.
Comment: Variant summary: COL4A1 c.781G>A (p.Gly261Ser) results in a non-conservative amino acid change located in the collagen triple helical region (Uniprot) of the encoded protein sequence. Alterations of glycine residues within the collagen triple-helix are common mechanisms of disease. Four of five in-silico tools predict a damaging effect of the variant on protein function. In addition, this variant disrupts the first nucleotide of exon 14 and therefore can affect splicing. Consensus agreement among computation tools predict no significant impact on normal splicing. However, these predictions have yet to be confirmed by functional studies. The variant was absent in 251422 control chromosomes (gnomAD). To our knowledge, no occurrence of c.781G>A in individuals affected with Porencephaly 1 and no experimental evidence demonstrating its impact on protein function have been reported. No submitters have reported clinical-significance assessments for this variant to ClinVar after 2014. Based on the evidence outlined above, the variant was classified as likely pathogenic.

Literature cited by the submitters: PubMed 7695699 (cited by Labcorp Genetics (formerly Invitae), Labcorp); PubMed 8218237 (cited by Labcorp Genetics (formerly Invitae), Labcorp); PubMed 19344236 (cited by Labcorp Genetics (formerly Invitae), Labcorp); PubMed 9016532 (cited by Labcorp Genetics (formerly Invitae), Labcorp); PubMed 17078022 (cited by Labcorp Genetics (formerly Invitae), Labcorp).